The following is an entry in ClinVar:

ClinVar aggregate classification (germline): Uncertain significance (1 of 4 stars; one submission).

Conditions:
AFF4-related disorder. Also called: AFF4-related condition.

Submission:

PreventionGenetics, part of Exact Sciences
Classification: Uncertain significance for AFF4-related condition. Last evaluated: 2026-03-25. Review status: criteria provided, single submitter. Criteria: ACMG Guidelines, 2015. Collection method: clinical testing. Allele origin: germline.
Comment: The AFF4 c.2174G>A variant is predicted to result in the amino acid substitution p.Arg725Lys. To our knowledge, this variant has not been reported in the literature. This variant is reported in 0.00088% of alleles in individuals of European (Non-Finnish) descent in gnomAD. At this time, the clinical significance of this variant is uncertain due to the absence of conclusive functional and genetic evidence.

NM_014423.4(AFF4):c.2174G>A (p.Arg725Lys)

Gene: AFF4 (ALF transcription elongation factor 4; minus strand). Cytogenetic location: 5q31.1.
Variant type: single nucleotide variant.
Coding change: c.2174G>A on transcript NM_014423.4 (MANE Select); coding-DNA position 2174, G replaced by A.
Protein change: p.Arg725Lys; replaces arginine 725 with lysine.
Molecular consequence: missense variant.
Genome position (GRCh38, 1-based): chr5:132,896,456, C>T on the plus strand (G>A on the coding strand, the complement: AFF4 is on the minus strand). VCF-style: chr5-132896456-C-T. GRCh37 (hg19) VCF-style: chr5-132232148-C-T.
Other names: short protein forms R725K.
Identifiers: ClinVar variation 2634814 (VCV002634814.2), dbSNP rs138811630, ClinGen allele CA127273240.